The following is an entry in ClinVar:

ClinVar aggregate classification (germline): Uncertain significance. Review status: criteria provided, multiple submitters, no conflicts (2 of 4 stars). 2 submissions from 2 submitters: Uncertain significance (2). Last evaluated 2025-06-17.

Conditions:
Inborn genetic diseases. Identifiers: MedGen C0950123, MeSH D030342.

Allele frequency attached by ClinVar (database versions not stated): gnomAD 0.00001; TOPMed 0.00001; gnomAD exomes 0.00002; ExAC 0.00005; 1000 Genomes Project 30x 0.00016; 1000 Genomes Project 0.00020.

Submissions (2):

Ambry Genetics
Classification: Uncertain significance for Inborn genetic diseases. Last evaluated: 2025-06-17. Review status: criteria provided, single submitter. Criteria: Ambry Variant Classification Scheme 2023. Collection method: clinical testing. Allele origin: germline.

Labcorp Genetics (formerly Invitae), Labcorp
Classification: Uncertain significance. Last evaluated: 2022-10-24. Review status: criteria provided, single submitter. Criteria: Invitae Variant Classification Sherloc (09022015). Collection method: clinical testing. Allele origin: germline.
Comment: This sequence change replaces arginine, which is basic and polar, with histidine, which is basic and polar, at codon 513 of the RSPRY1 protein (p.Arg513His). This variant is present in population databases (rs568893095, gnomAD 0.02%). This variant has not been reported in the literature in individuals affected with RSPRY1-related conditions. Advanced modeling of protein sequence and biophysical properties (such as structural, functional, and spatial information, amino acid conservation, physicochemical variation, residue mobility, and thermodynamic stability) performed at Invitae indicates that this missense variant is not expected to disrupt RSPRY1 protein function. In summary, the available evidence is currently insufficient to determine the role of this variant in disease. Therefore, it has been classified as a Variant of Uncertain Significance.

NM_133368.3(RSPRY1):c.1538G>A (p.Arg513His)

Gene: RSPRY1 (ring finger and SPRY domain containing 1; plus strand). Cytogenetic location: 16q13.
Variant type: single nucleotide variant.
Coding change: c.1538G>A on transcript NM_133368.3 (MANE Select); coding-DNA position 1538, G replaced by A.
Protein change: p.Arg513His; replaces arginine 513 with histidine.
Molecular consequence: missense variant.
Genome position (GRCh38, 1-based): chr16:57,235,132, G>A. VCF-style: chr16-57235132-G-A. GRCh37 (hg19) VCF-style: chr16-57269044-G-A.
Other names: c.1538G>A (NM_133368.1); c.1538G>A, p.Arg513His (NM_001305163.2, NM_001305164.2); short protein forms R513H.
Identifiers: ClinVar variation 1982997 (VCV001982997.2), dbSNP rs568893095, ClinGen allele CA8074758.
Genomic context (GRCh38, chr16:57,235,132, plus strand): 5'-CTAACAGGACCCCTGTTGACAAAATGTATTTCAAATTGCTTTTTCTACTCAGGCACAGGC[G>A]TCTTGCTCTGTTGAAGCAAGTCAGTATCCGAGAAAACTGCTGTTCCCTTTGTTGTGATGA-3'
Protein context (NP_588609.1, residues 503-523): EEKIILPRHR[Arg513His]LALLKQVSIR